The following is an entry in ClinVar:

ClinVar aggregate classification (germline): Uncertain significance (1 of 4 stars; one submission).

Submission:

CeGaT Center for Human Genetics Tuebingen
Classification: Uncertain significance. Last evaluated: 2024-10-01. Review status: criteria provided, single submitter. Criteria: CeGaT Center For Human Genetics Tuebingen Variant Classification Criteria Version 2. Collection method: clinical testing. Allele origin: germline. Affected: yes. Observed: 1 variant allele.
Comment: AFG3L2: PM2

NM_006796.3(AFG3L2):c.605C>T (p.Pro202Leu)

Gene: AFG3L2 (AFG3 like matrix AAA peptidase subunit 2; minus strand). Cytogenetic location: 18p11.21.
Variant type: single nucleotide variant.
Coding change: c.605C>T on transcript NM_006796.3 (MANE Select); coding-DNA position 605, C replaced by T.
Protein change: p.Pro202Leu; replaces proline 202 with leucine.
Molecular consequence: missense variant.
Genome position (GRCh38, 1-based): chr18:12,363,804, G>A on the plus strand (C>T on the coding strand, the complement: AFG3L2 is on the minus strand). VCF-style: chr18-12363804-G-A. GRCh37 (hg19) VCF-style: chr18-12363803-G-A.
Other names: short protein forms P202L.
Identifiers: ClinVar variation 3389961 (VCV003389961.14).